The following is an entry in ClinVar:

NM_005559.4(LAMA1):c.8998G>A (p.Ala3000Thr)

Gene: LAMA1 (laminin subunit alpha 1; minus strand). Cytogenetic location: 18p11.31.
Variant type: single nucleotide variant.
Coding change: c.8998G>A on transcript NM_005559.4 (MANE Select); coding-DNA position 8998, G replaced by A.
Protein change: p.Ala3000Thr; replaces alanine 3000 with threonine.
Molecular consequence: missense variant.
Genome position (GRCh38, 1-based): chr18:6,943,249, C>T on the plus strand (G>A on the coding strand, the complement: LAMA1 is on the minus strand). VCF-style: chr18-6943249-C-T. GRCh37 (hg19) VCF-style: chr18-6943248-C-T.
Other names: c.8998G>A (NM_005559.3); short protein forms A3000T.
Identifiers: ClinVar variation 2418424 (VCV002418424.7), dbSNP rs369082897, ClinGen allele CA8880285.

ClinVar aggregate classification (germline): Uncertain significance. Review status: criteria provided, multiple submitters, no conflicts (2 of 4 stars). 2 submissions from 2 submitters: Uncertain significance (2). Last evaluated 2025-01-07.

Conditions:
Ataxia - intellectual disability - oculomotor apraxia - cerebellar cysts syndrome. Also called: Poretti-Boltshauser syndrome. Identifiers: Orphanet 370022, MedGen C4014821, MONDO:0014419, OMIM 615960.
Inborn genetic diseases. Identifiers: MedGen C0950123, MeSH D030342.

Allele frequency attached by ClinVar (database versions not stated): gnomAD 0.00003; TOPMed 0.00005; ExAC 0.00007; ESP Exome Variant Server 0.00008.
gnomAD v4.1: 123 of 1,614,052 alleles (0.0076%); highest among the groups gnomAD compares: Non-Finnish European, 0.009%; no homozygotes.

Submissions (2):

Ambry Genetics
Classification: Uncertain significance for Inborn genetic diseases. Last evaluated: 2025-01-07. Review status: criteria provided, single submitter. Criteria: Ambry Variant Classification Scheme 2023. Collection method: clinical testing. Allele origin: germline.

Labcorp Genetics (formerly Invitae), Labcorp
Classification: Uncertain significance. Last evaluated: 2023-10-03. Review status: criteria provided, single submitter. Criteria: Invitae Variant Classification Sherloc (09022015). Collection method: clinical testing. Allele origin: germline.
Comment: This sequence change replaces alanine, which is neutral and non-polar, with threonine, which is neutral and polar, at codon 3000 of the LAMA1 protein (p.Ala3000Thr). This variant is present in population databases (rs369082897, gnomAD 0.009%). This variant has not been reported in the literature in individuals affected with LAMA1-related conditions. ClinVar contains an entry for this variant (Variation ID: 2418424). Advanced modeling of protein sequence and biophysical properties (such as structural, functional, and spatial information, amino acid conservation, physicochemical variation, residue mobility, and thermodynamic stability) performed at Invitae indicates that this missense variant is not expected to disrupt LAMA1 protein function. In summary, the available evidence is currently insufficient to determine the role of this variant in disease. Therefore, it has been classified as a Variant of Uncertain Significance.